The following is an entry in ClinVar:

ClinVar aggregate classification (germline): Conflicting classifications of pathogenicity. Review status: criteria provided, conflicting classifications (1 of 4 stars). 19 submissions from 18 submitters: Uncertain significance (10); Likely benign (9). Last evaluated 2026-07-01.

Conditions:
Primary familial hypertrophic cardiomyopathy (HCM). Identifiers: Orphanet 99739, MedGen C0949658, MeSH D024741, MONDO:0024573. Inheritance: Various modes of inheritance.
Primary dilated cardiomyopathy (DCM). Also called: Dilated Cardiomyopathy. Identifiers: Orphanet 217604, MedGen C0007193, MeSH D002311, MONDO:0005021, HP:0001644. Inheritance: Various modes of inheritance.
Autosomal recessive limb-girdle muscular dystrophy type 2G (LGMDR7). Also called: Telethoninopathy; MUSCULAR DYSTROPHY, LIMB-GIRDLE, AUTOSOMAL RECESSIVE 7; Limb-girdle muscular dystrophy, type 2G. Identifiers: Orphanet 34514, MedGen C1866008, MONDO:0011170, OMIM 601954.
Cardiovascular phenotype. Identifiers: MedGen CN230736.
Hypertrophic cardiomyopathy 25 (CMH25). Also called: CARDIOMYOPATHY, FAMILIAL HYPERTROPHIC, 25. Identifiers: MedGen C4225408, MONDO:0011843, OMIM 607487.
Cardiomyopathy (CMYO). Also called: Cardiomyopathies. Identifiers: Orphanet 167848, MedGen C0878544, MONDO:0004994, HP:0001638. Inheritance: Various modes of inheritance.
Brugada syndrome. Also called: Sudden unexplained nocturnal death syndrome; Sudden unexpected nocturnal death syndrome; Sudden Unexplained Death Syndrome; Sudden Unexplained Nocturnal Death Syndrome (SUNDS). Identifiers: Orphanet 130, MedGen C1142166, MONDO:0015263.

Allele frequency attached by ClinVar (database versions not stated): ESP Exome Variant Server 0.00046; gnomAD 0.00051; 1000 Genomes Project 0.00060; TOPMed 0.00061; 1000 Genomes Project 30x 0.00078.

Submissions (19):

CeGaT Center for Human Genetics Tuebingen
Classification: Likely benign. Last evaluated: 2026-07-01. Review status: criteria provided, single submitter. Criteria: CeGaT Center For Human Genetics Tuebingen Variant Classification Criteria Version 2. Collection method: clinical testing. Allele origin: germline. Affected: yes. Observed: 4 variant alleles.
Comment: TCAP: BS2

Labcorp Genetics (formerly Invitae), Labcorp
Classification: Uncertain significance for Hypertrophic cardiomyopathy 25; Primary familial hypertrophic cardiomyopathy. Last evaluated: 2026-02-04. Review status: criteria provided, single submitter. Criteria: Invitae Variant Classification Sherloc (09022015). Collection method: clinical testing. Allele origin: germline.
Comment: This sequence change replaces glutamic acid, which is acidic and polar, with glutamine, which is neutral and polar, at codon 105 of the TCAP protein (p.Glu105Gln). This variant is present in population databases (rs146906267, gnomAD 0.08%), and has an allele count higher than expected for a pathogenic variant. This missense change has been observed in individual(s) with dilated cardiomyopathy and hypertrophic cardiomyopathy (PMID: 24037902, 26332198, 30871747, 31303467). ClinVar contains an entry for this variant (Variation ID: 191776). An algorithm developed to predict the effect of missense changes on protein structure and function (PolyPhen-2) suggests that this variant is likely to be disruptive. In summary, the available evidence is currently insufficient to determine the role of this variant in disease. Therefore, it has been classified as a Variant of Uncertain Significance.

Women's Health and Genetics/Laboratory Corporation of America, LabCorp
Classification: Likely benign. Last evaluated: 2024-11-29. Review status: criteria provided, single submitter. Criteria: LabCorp Variant Classification Summary - May 2015. Collection method: clinical testing. Allele origin: germline.
Comment: Variant summary: TCAP c.313G>C (p.Glu105Gln) results in a conservative amino acid change in the encoded protein sequence. Four of five in-silico tools predict a benign effect of the variant on protein function. The variant allele was found at a frequency of 0.00051 in 248982 control chromosomes. The observed variant frequency is approximately 20 fold of the estimated maximal expected allele frequency for a pathogenic variant in TCAP causing Cardiomyopathy phenotype (2.5e-05). c.313G>C has been reported in the literature in individuals affected with hypertrophic or dilated cardiomyopathy (example, Earle_2015, Martins_2019), as a VUS with non-informative segregation along with a VUS in TNNT2 gene in an individual with dilated cardiomyopathy (example, Sousa_2019) and identified once in a whole exome sequencing study with participants who were not pre-selected for a personal or family history of arrhythmia, cardiomyopathy or sudden cardiac death (example, Ng_2013). These report(s) do not provide unequivocal conclusions about association of the variant with Cardiomyopathy. To our knowledge, no experimental evidence demonstrating an impact on protein function has been reported. The following publications have been ascertained in the context of this evaluation (PMID: 26332198, 31303467, 23861362, 30871747). ClinVar contains an entry for this variant (Variation ID: 191776). Based on the evidence outlined above, the variant was classified as likely benign.

Blueprint Genetics
Classification: Likely benign. Last evaluated: 2024-11-12. Review status: criteria provided, single submitter. Criteria: ACMG Guidelines, 2015. Collection method: clinical testing. Allele origin: germline.

Revvity Omics, Revvity
Classification: Likely benign. Last evaluated: 2023-12-05. Review status: criteria provided, single submitter. Criteria: ACMG Guidelines, 2015. Collection method: clinical testing. Allele origin: germline.

Mayo Clinic Laboratories, Mayo Clinic
Classification: Uncertain significance. Last evaluated: 2021-02-24. Review status: criteria provided, single submitter. Criteria: ACMG Guidelines, 2015. Collection method: clinical testing. Allele origin: germline. Observed: 1 variant allele.

GeneDx
Classification: Likely benign. Last evaluated: 2020-10-01. Review status: criteria provided, single submitter. Criteria: GeneDx Variant Classification Process June 2021. Collection method: clinical testing. Allele origin: germline. Affected: yes.
Comment: This variant is associated with the following publications: (PMID: 31303467, 24037902, 23861362, 30871747)

Ambry Genetics
Classification: Likely benign for Cardiovascular phenotype. Last evaluated: 2020-02-03. Review status: criteria provided, single submitter. Criteria: Ambry Variant Classification Scheme 2023. Collection method: clinical testing. Allele origin: germline.

CHEO Genetics Diagnostic Laboratory, Children's Hospital of Eastern Ontario
Classification: Likely benign for Cardiomyopathy. Last evaluated: 2019-11-13. Review status: criteria provided, single submitter. Criteria: ACMG Guidelines, 2015. Collection method: clinical testing. Allele origin: germline.

Athena Diagnostics
Classification: Uncertain significance. Last evaluated: 2019-06-03. Review status: criteria provided, single submitter. Criteria: Athena Diagnostics Criteria. Collection method: clinical testing. Allele origin: germline.

Center for Advanced Laboratory Medicine, UC San Diego Health, University of California San Diego
Classification: Likely benign for Brugada syndrome. Last evaluated: 2018-12-24. Review status: criteria provided, single submitter. Criteria: ACMG Guidelines, 2015. Collection method: clinical testing. Allele origin: germline. Affected: yes. Observed: 1 variant allele.

Eurofins Ntd Llc (ga)
Classification: Uncertain significance. Last evaluated: 2017-12-22. Review status: criteria provided, single submitter. Criteria: EGL Classification Definitions 2015. Collection method: clinical testing. Allele origin: germline. Observed: 9 variant alleles, 9 heterozygotes.

Illumina Laboratory Services, Illumina
Classification: Uncertain significance for Autosomal recessive limb-girdle muscular dystrophy type 2G. Last evaluated: 2017-04-27. Review status: criteria provided, single submitter. Criteria: ICSL Variant Classification Criteria 13 December 2019. Collection method: clinical testing. Allele origin: germline.

Illumina Laboratory Services, Illumina
Classification: Uncertain significance for Cardiomyopathy, Dilated, 1N. Last evaluated: 2017-04-27. Review status: criteria provided, single submitter. Criteria: ICSL Variant Classification Criteria 13 December 2019. Collection method: clinical testing. Allele origin: germline.
Comment: This variant was observed as part of a predisposition screen in an ostensibly healthy population. A literature search was performed for the gene, cDNA change, and amino acid change (where applicable). Publications were found based on this search. However, the evidence from the literature, in combination with allele frequency data from public databases where available, was not sufficient to rule this variant in or out of causing disease. Therefore, this variant is classified as a variant of unknown significance.

Molecular Diagnostic Laboratory for Inherited Cardiovascular Disease, Montreal Heart Institute
Classification: Uncertain significance for Primary familial hypertrophic cardiomyopathy. Last evaluated: 2017-04-19. Review status: criteria provided, single submitter. Criteria: ACMG Guidelines, 2015. Collection method: clinical testing. Allele origin: germline. Affected: yes.

Laboratory for Molecular Medicine, Mass General Brigham Personalized Medicine
Classification: Uncertain significance. Last evaluated: 2015-12-23. Review status: criteria provided, single submitter. Criteria: LMM Criteria. Collection method: clinical testing. Allele origin: germline. Observed: 2 variant alleles.
Comment: The p.Glu105Gln variant in TCAP has not been previously reported in individuals with cardiomyopathy, but has been identified in 36/62742 European chromosomes by the Exome Aggregation Consortium (ExAC; dbSNP r s146906267). Computational prediction tools and conservation analysis suggest th at this variant may not impact the protein, though this information is not predi ctive enough to rule out pathogenicity. In summary, the clinical significance of the p.Glu105Gln variant is uncertain.

Stanford Center for Inherited Cardiovascular Disease, Stanford University
Classification: Uncertain significance. Last evaluated: 2014-04-22. Review status: criteria provided, single submitter. Criteria: ACMG Guidelines, 2015. Collection method: provider interpretation. Allele origin: germline.

Biesecker Lab/Clinical Genomics Section, National Institutes of Health
Classification: Uncertain significance. Last evaluated: 2013-06-24. Review status: criteria provided, single submitter. Criteria: Ng et al. (Circ Cardiovasc Genet. 2013). Collection method: research. Allele origin: unknown. Observed: 1 variant allele. Study: ClinSeq.
Comment: The study set was not selected for affection status in relation to any cancer. Pathogenicity categories were based on literature curation. See Pubmed ID:23861362 for details.

Medical sequencing

PreventionGenetics, part of Exact Sciences
Classification: Likely benign. Review status: criteria provided, single submitter. Criteria: ACMG Guidelines, 2015. Collection method: clinical testing. Allele origin: germline.

Literature cited by the submitters: PubMed 24037902 (cited by 4 submitters); PubMed 26332198 (cited by Labcorp Genetics (formerly Invitae), Labcorp and Women's Health and Genetics/Laboratory Corporation of America, LabCorp); PubMed 30871747 (cited by 4 submitters); PubMed 31303467 (cited by 3 submitters); PubMed 23861362 (cited by 3 submitters).

NM_003673.4(TCAP):c.313G>C (p.Glu105Gln)

Gene: TCAP (titin-cap; plus strand). Cytogenetic location: 17q12.
Variant type: single nucleotide variant.
Coding change: c.313G>C on transcript NM_003673.4 (MANE Select); coding-DNA position 313, G replaced by C.
Protein change: p.Glu105Gln; replaces glutamic acid 105 with glutamine.
Molecular consequence: missense variant.
Genome position (GRCh38, 1-based): chr17:39,665,918, G>C. VCF-style: chr17-39665918-G-C. GRCh37 (hg19) VCF-style: chr17-37822171-G-C.
Other names: p.E105Q:GAG>CAG; short protein forms E105Q.
Identifiers: ClinVar variation 191776 (VCV000191776.85), dbSNP rs146906267, ClinGen allele CA302372.